The following is an entry in ClinVar:

ClinVar aggregate classification (germline): Uncertain significance (1 of 4 stars; one submission).

Conditions:
Hereditary cancer-predisposing syndrome. Also called: Hereditary Cancer Syndrome; Hereditary neoplastic syndrome; Tumor predisposition; Neoplastic Syndromes, Hereditary. Identifiers: Orphanet 140162, MedGen C0027672, MeSH D009386, MONDO:0015356.

gnomAD v4.1: 1 of 1,613,932 alleles (0.000062%); highest among the groups gnomAD compares: South Asian, 0.0011%; no homozygotes.

Submission:

Ambry Genetics
Classification: Uncertain significance for Hereditary cancer-predisposing syndrome. Last evaluated: 2024-10-13. Review status: criteria provided, single submitter. Criteria: Ambry Variant Classification Scheme 2023. Collection method: clinical testing. Allele origin: germline.
Comment: The p.T246I variant (also known as c.737C>T), located in coding exon 2 of the ALK gene, results from a C to T substitution at nucleotide position 737. The threonine at codon 246 is replaced by isoleucine, an amino acid with similar properties. This amino acid position is conserved. In addition, the in silico prediction for this alteration is inconclusive. Based on the available evidence, the clinical significance of this variant remains unclear.

NM_004304.5(ALK):c.737C>T (p.Thr246Ile)

Gene: ALK (ALK receptor tyrosine kinase; minus strand). Cytogenetic location: 2p23.2.
Variant type: single nucleotide variant.
Coding change: c.737C>T on transcript NM_004304.5 (MANE Select); coding-DNA position 737, C replaced by T.
Protein change: p.Thr246Ile; replaces threonine 246 with isoleucine.
Molecular consequence: missense variant.
Genome position (GRCh38, 1-based): chr2:29,717,628, G>A on the plus strand (C>T on the coding strand, the complement: ALK is on the minus strand). VCF-style: chr2-29717628-G-A. GRCh37 (hg19) VCF-style: chr2-29940494-G-A.
Other names: short protein forms T246I.
Identifiers: ClinVar variation 3523856 (VCV003523856.1).